The following is an entry in ClinVar:

ClinVar aggregate classification (germline): Uncertain significance (1 of 4 stars; one submission).

Submission:

Labcorp Genetics (formerly Invitae), Labcorp
Classification: Uncertain significance. Last evaluated: 2022-07-23. Review status: criteria provided, single submitter. Criteria: Invitae Variant Classification Sherloc (09022015). Collection method: clinical testing. Allele origin: germline.
Comment: In summary, the available evidence is currently insufficient to determine the role of this variant in disease. Therefore, it has been classified as a Variant of Uncertain Significance. Algorithms developed to predict the effect of missense changes on protein structure and function output the following: SIFT: "Deleterious"; PolyPhen-2: "Benign"; Align-GVGD: "Class C0". The arginine amino acid residue is found in multiple mammalian species, which suggests that this missense change does not adversely affect protein function. This variant has not been reported in the literature in individuals affected with NBAS-related conditions. This variant is not present in population databases (gnomAD no frequency). This sequence change replaces glutamine, which is neutral and polar, with arginine, which is basic and polar, at codon 1496 of the NBAS protein (p.Gln1496Arg).

NM_015909.4(NBAS):c.4487A>G (p.Gln1496Arg)

Gene: NBAS (NBAS subunit of NRZ tethering complex; minus strand). Cytogenetic location: 2p24.3.
Variant type: single nucleotide variant.
Coding change: c.4487A>G on transcript NM_015909.4 (MANE Select); coding-DNA position 4487, A replaced by G.
Protein change: p.Gln1496Arg; replaces glutamine 1496 with arginine.
Molecular consequence: missense variant. On other transcripts: non-coding transcript variant (1).
Genome position (GRCh38, 1-based): chr2:15,327,845, T>C on the plus strand (A>G on the coding strand, the complement: NBAS is on the minus strand). VCF-style: chr2-15327845-T-C. GRCh37 (hg19) VCF-style: chr2-15467969-T-C.
Other names: short protein forms Q1496R.
Identifiers: ClinVar variation 1713571 (VCV001713571.5), dbSNP rs2528403905, ClinGen allele CA345895607.
Genomic context (GRCh38, chr2:15,327,845, plus strand): 5'-GCCTCTGCCAATTTTCCAGTTCTCAGCAATACTTCTGCAAAGCTTTCCACTGGAACATGC[T>C]GATAGGTGTCATAGGTCCCTTCAGACTACACAAAAGAAGCAGTTTCACTATCTAGTAGGG-3'
Protein context (NP_056993.2, residues 1486-1506): AESEGTYDTY[Gln1496Arg]HVPVESFAEV